The following is an entry in ClinVar:

ClinVar aggregate classification (germline): Uncertain significance. Review status: criteria provided, multiple submitters, no conflicts (2 of 4 stars). 2 submissions from 2 submitters: Uncertain significance (2). Last evaluated 2025-11-25.

Conditions:
Primary ciliary dyskinesia. Also called: Ciliary dyskinesia. Identifiers: Orphanet 244, MedGen C0008780, MONDO:0016575, HP:0012265.

Allele frequency attached by ClinVar (database versions not stated): gnomAD 0.00001; gnomAD exomes 0.00001; TOPMed 0.00001; ExAC 0.00002; ESP Exome Variant Server 0.00008.
gnomAD v4.1: 11 of 1,614,042 alleles (0.00068%); highest among the groups gnomAD compares: South Asian, 0.0022%; no homozygotes.

Submissions (2):

Ambry Genetics
Classification: Uncertain significance for Primary ciliary dyskinesia. Last evaluated: 2025-11-25. Review status: criteria provided, single submitter. Criteria: Ambry Variant Classification Scheme 2023. Collection method: clinical testing. Allele origin: germline.

Labcorp Genetics (formerly Invitae), Labcorp
Classification: Uncertain significance for Primary ciliary dyskinesia. Last evaluated: 2021-09-17. Review status: criteria provided, single submitter. Criteria: Invitae Variant Classification Sherloc (09022015). Collection method: clinical testing. Allele origin: germline.
Comment: This sequence change replaces methionine with threonine at codon 2369 of the DNAH5 protein (p.Met2369Thr). The methionine residue is highly conserved and there is a moderate physicochemical difference between methionine and threonine. This variant is present in population databases (rs144867885, ExAC 0.005%). This variant has not been reported in the literature in individuals with DNAH5-related conditions. Advanced modeling of protein sequence and biophysical properties (such as structural, functional, and spatial information, amino acid conservation, physicochemical variation, residue mobility, and thermodynamic stability) performed at Invitae indicates that this missense variant is expected to disrupt DNAH5 protein function. In summary, the available evidence is currently insufficient to determine the role of this variant in disease. Therefore, it has been classified as a Variant of Uncertain Significance.

NM_001369.3(DNAH5):c.7106T>C (p.Met2369Thr)

Gene: DNAH5 (dynein axonemal heavy chain 5; minus strand). Cytogenetic location: 5p15.2.
Variant type: single nucleotide variant.
Coding change: c.7106T>C on transcript NM_001369.3 (MANE Select); coding-DNA position 7106, T replaced by C.
Protein change: p.Met2369Thr; replaces methionine 2369 with threonine.
Molecular consequence: missense variant.
Genome position (GRCh38, 1-based): chr5:13,814,729, A>G on the plus strand (T>C on the coding strand, the complement: DNAH5 is on the minus strand). VCF-style: chr5-13814729-A-G. GRCh37 (hg19) VCF-style: chr5-13814838-A-G.
Other names: c.7106T>C (NM_001369.2); short protein forms M2369T.
Identifiers: ClinVar variation 1384200 (VCV001384200.6), dbSNP rs144867885, ClinGen allele CA3203180.